The following is an entry in ClinVar:

NM_144596.4(TTC8):c.446G>A (p.Arg149His)

Gene: TTC8 (tetratricopeptide repeat domain 8; plus strand). Cytogenetic location: 14q31.3.
Variant type: single nucleotide variant.
Coding change: c.446G>A on transcript NM_144596.4 (MANE Select); coding-DNA position 446, G replaced by A.
Protein change: p.Arg149His; replaces arginine 149 with histidine.
Molecular consequence: missense variant. On other transcripts: 5 prime UTR variant (2), non-coding transcript variant (1).
Genome position (GRCh38, 1-based): chr14:88,841,153, G>A. VCF-style: chr14-88841153-G-A. GRCh37 (hg19) VCF-style: chr14-89307497-G-A.
Other names: c.416G>A, p.Arg139His (NM_001288781.1, NM_001366535.2, NM_001366536.2 and 2 more transcripts); c.-147G>A (NM_001288782.1); c.-242G>A (NM_001288783.1); c.416G>A (NM_198309.2); short protein forms R139H, R149H.
Identifiers: ClinVar variation 1364950 (VCV001364950.9), dbSNP rs768271175, ClinGen allele CA7302472.

ClinVar aggregate classification (germline): Uncertain significance. Review status: criteria provided, multiple submitters, no conflicts (2 of 4 stars). 3 submissions from 3 submitters: Uncertain significance (3). Last evaluated 2024-01-16.

Conditions:
Bardet-Biedl syndrome (BBS). Identifiers: Orphanet 110, MedGen C0752166, MONDO:0015229.

Allele frequency attached by ClinVar (database versions not stated): ExAC 0.00001; gnomAD 0.00001; gnomAD exomes 0.00002.

Submissions (3):

GeneDx
Classification: Uncertain significance. Last evaluated: 2024-01-16. Review status: criteria provided, single submitter. Criteria: GeneDx Variant Classification Process June 2021. Collection method: clinical testing. Allele origin: germline. Affected: yes.
Comment: In silico analysis supports that this missense variant has a deleterious effect on protein structure/function; Has not been previously published as pathogenic or benign to our knowledge

Labcorp Genetics (formerly Invitae), Labcorp
Classification: Uncertain significance for Bardet-Biedl syndrome. Last evaluated: 2022-06-18. Review status: criteria provided, single submitter. Criteria: Invitae Variant Classification Sherloc (09022015). Collection method: clinical testing. Allele origin: germline.
Comment: This sequence change replaces arginine, which is basic and polar, with histidine, which is basic and polar, at codon 139 of the TTC8 protein (p.Arg139His). This variant is present in population databases (rs768271175, gnomAD 0.003%). This variant has not been reported in the literature in individuals affected with TTC8-related conditions. Algorithms developed to predict the effect of missense changes on protein structure and function output the following: SIFT: "Deleterious"; PolyPhen-2: "Benign"; Align-GVGD: "Class C0". The histidine amino acid residue is found in multiple mammalian species, which suggests that this missense change does not adversely affect protein function. In summary, the available evidence is currently insufficient to determine the role of this variant in disease. Therefore, it has been classified as a Variant of Uncertain Significance.

Blueprint Genetics
Classification: Uncertain significance. Last evaluated: 2021-12-02. Review status: criteria provided, single submitter. Criteria: ACMG Guidelines, 2015. Collection method: clinical testing. Allele origin: germline.